The following is an entry in ClinVar:

ClinVar aggregate classification (germline): Uncertain significance (1 of 4 stars; one submission).

gnomAD v4.1: 3 of 1,608,754 alleles (0.00019%); highest among the groups gnomAD compares: South Asian, 0.0011%; no homozygotes.

Submission:

Labcorp Genetics (formerly Invitae), Labcorp
Classification: Uncertain significance. Last evaluated: 2025-06-22. Review status: criteria provided, single submitter. Criteria: Invitae Variant Classification Sherloc (09022015). Collection method: clinical testing. Allele origin: germline.
Comment: This sequence change replaces alanine, which is neutral and non-polar, with valine, which is neutral and non-polar, at codon 339 of the DCHS1 protein (p.Ala339Val). The frequency data for this variant in the population databases is considered unreliable, as metrics indicate poor data quality at this position in the gnomAD database. This variant has not been reported in the literature in individuals affected with DCHS1-related conditions. Invitae Evidence Modeling of protein sequence and biophysical properties (such as structural, functional, and spatial information, amino acid conservation, physicochemical variation, residue mobility, and thermodynamic stability) indicates that this missense variant is not expected to disrupt DCHS1 protein function with a negative predictive value of 80%. In summary, the available evidence is currently insufficient to determine the role of this variant in disease. Therefore, it has been classified as a Variant of Uncertain Significance.

NM_003737.4(DCHS1):c.1016C>T (p.Ala339Val)

Gene: DCHS1 (dachsous cadherin-related 1; minus strand). Cytogenetic location: 11p15.4.
Variant type: single nucleotide variant.
Coding change: c.1016C>T on transcript NM_003737.4 (MANE Select); coding-DNA position 1016, C replaced by T.
Protein change: p.Ala339Val; replaces alanine 339 with valine.
Molecular consequence: missense variant.
Genome position (GRCh38, 1-based): chr11:6,640,598, G>A on the plus strand (C>T on the coding strand, the complement: DCHS1 is on the minus strand). VCF-style: chr11-6640598-G-A. GRCh37 (hg19) VCF-style: chr11-6661829-G-A.
Other names: short protein forms A339V.
Identifiers: ClinVar variation 4746631 (VCV004746631.1).